The following is an entry in ClinVar:

NM_015047.3(EMC1):c.2393C>T (p.Thr798Ile)

Genes: EMC1 (ER membrane protein complex subunit 1; minus strand), EMC1-AS1 (EMC1 antisense RNA 1; plus strand). Cytogenetic location: 1p36.13.
Variant type: single nucleotide variant.
Coding change: c.2393C>T on transcript NM_015047.3 (MANE Select); coding-DNA position 2393, C replaced by T.
Protein change: p.Thr798Ile; replaces threonine 798 with isoleucine.
Molecular consequence: missense variant.
Genome position (GRCh38, 1-based): chr1:19,222,818, G>A on the plus strand (C>T on the coding strand, the complement: EMC1 is on the minus strand). VCF-style: chr1-19222818-G-A. GRCh37 (hg19) VCF-style: chr1-19549312-G-A.
Other names: c.2390C>T, p.Thr797Ile (NM_001271427.2, NM_001271428.2); c.2327C>T, p.Thr776Ile (NM_001271429.2); c.2402C>T, p.Thr801Ile (NM_001375820.1); c.2399C>T, p.Thr800Ile (NM_001375821.1); short protein forms T798I, T776I, T797I, T801I, T800I.
Identifiers: ClinVar variation 4779368 (VCV004779368.1).

ClinVar aggregate classification (germline): Uncertain significance (1 of 4 stars; one submission).

Submission:

Labcorp Genetics (formerly Invitae), Labcorp
Classification: Uncertain significance. Last evaluated: 2025-12-26. Review status: criteria provided, single submitter. Criteria: Invitae Variant Classification Sherloc (09022015). Collection method: clinical testing. Allele origin: germline.
Comment: This sequence change replaces threonine, which is neutral and polar, with isoleucine, which is neutral and non-polar, at codon 798 of the EMC1 protein (p.Thr798Ile). This variant is not present in population databases (gnomAD no frequency). This variant has not been reported in the literature in individuals affected with EMC1-related conditions. Invitae Evidence Modeling of protein sequence and biophysical properties (such as structural, functional, and spatial information, amino acid conservation, physicochemical variation, residue mobility, and thermodynamic stability) indicates that this missense variant is not expected to disrupt EMC1 protein function with a negative predictive value of 80%. In summary, the available evidence is currently insufficient to determine the role of this variant in disease. Therefore, it has been classified as a Variant of Uncertain Significance.